The following is an entry in ClinVar:

NM_000583.4(GC):c.1320G>A (p.Lys440=)

Gene: GC (GC vitamin D binding protein; minus strand). Cytogenetic location: 4q13.3.
Variant type: single nucleotide variant.
Coding change: c.1320G>A on transcript NM_000583.4 (MANE Select); coding-DNA position 1320, G replaced by A.
Protein change: p.Lys440=; no amino-acid change (lysine 440 retained).
Molecular consequence: synonymous variant.
Genome position (GRCh38, 1-based): chr4:71,752,593, C>T on the plus strand (G>A on the coding strand, the complement: GC is on the minus strand). VCF-style: chr4-71752593-C-T. GRCh37 (hg19) VCF-style: chr4-72618310-C-T.
Other names: c.1320G>A, p.Lys440= (NM_001204306.1); c.1377G>A, p.Lys459= (NM_001204307.1).
Identifiers: ClinVar variation 2654803 (VCV002654803.24), dbSNP rs754506044, ClinGen allele CA2955421.

ClinVar aggregate classification (germline): Likely benign (1 of 4 stars; one submission).

Allele frequency attached by ClinVar (database versions not stated): ExAC 0.00001; gnomAD 0.00003.
gnomAD v4.1: 7 of 1,613,472 alleles (0.00043%); highest among the groups gnomAD compares: South Asian, 0.0066%; no homozygotes.

Submission:

CeGaT Center for Human Genetics Tuebingen
Classification: Likely benign. Last evaluated: 2022-08-01. Review status: criteria provided, single submitter. Criteria: CeGaT Center For Human Genetics Tuebingen Variant Classification Criteria Version 2. Collection method: clinical testing. Allele origin: germline. Affected: yes. Observed: 1 variant allele.
Comment: GC: BP4, BP7